The following is an entry in ClinVar:

ClinVar aggregate classification (germline): Uncertain significance (1 of 4 stars; one submission).

Conditions:
Hearing impairment. Also called: Impaired Hearing. Identifiers: MedGen C1384666, MONDO:0005365, HP:0000365.

Allele frequency attached by ClinVar (database versions not stated): gnomAD exomes below 0.00001 and 0.00001.
gnomAD v4.1: 17 of 1,612,982 alleles (0.0011%); highest among the groups gnomAD compares: Non-Finnish European, 0.0014%; no homozygotes.

Submission:

Department of Otolaryngology – Head & Neck Surgery, Cochlear Implant Center
Classification: Uncertain significance for Hearing impairment. Last evaluated: 2021-04-12. Review status: criteria provided, single submitter. Criteria: ClinGen HL ACMG Specifications v1. Collection method: clinical testing. Allele origin: germline. Affected: yes.
Comment: PM2_Moderate, PP3_Supporting

NM_001384140.1(PCDH15):c.386T>G (p.Ile129Ser)

Gene: PCDH15 (protocadherin related 15; minus strand). Cytogenetic location: 10q21.1.
Variant type: single nucleotide variant.
Coding change: c.386T>G on transcript NM_001384140.1 (MANE Select); coding-DNA position 386, T replaced by G.
Protein change: p.Ile129Ser; replaces isoleucine 129 with serine.
Molecular consequence: missense variant.
Genome position (GRCh38, 1-based): chr10:54,369,208, A>C on the plus strand (T>G on the coding strand, the complement: PCDH15 is on the minus strand). VCF-style: chr10-54369208-A-C. GRCh37 (hg19) VCF-style: chr10-56128968-A-C.
Other names: c.401T>G, p.Ile134Ser (NM_001142763.2, NM_001142769.4, NM_001142771.2); c.386T>G, p.Ile129Ser (NM_001142764.2, NM_001142765.2, NM_001142766.2 and 8 more transcripts); c.320T>G, p.Ile107Ser (NM_001142768.2, NM_001142773.2, NM_001354404.2); short protein forms I107S, I129S, I134S.
Identifiers: ClinVar variation 1064917 (VCV001064917.3), dbSNP rs1330084526, ClinGen allele CA376542254.